The following is an entry in ClinVar:

ClinVar aggregate classification (germline): Uncertain significance (1 of 4 stars; one submission).

Conditions:
Hereditary diffuse gastric adenocarcinoma (HDGC). Also called: DIFFUSE GASTRIC AND LOBULAR BREAST CANCER SYNDROME. Identifiers: Orphanet 26106, MedGen C1708349, MONDO:0007648, OMIM 137215.

Submission:

European Reference Network on Genetic Tumour Risk Syndromes (ERN-GENTURIS), i3s - Instituto de Investigação e Inovação em Saúde, University of Porto
Classification: Uncertain significance for Hereditary diffuse gastric adenocarcinoma. Last evaluated: 2022-08-01. Review status: criteria provided, single submitter. Criteria: Lee et al. (Hum Mutat. 2018). Collection method: clinical testing. Allele origin: germline. Inheritance: Autosomal dominant inheritance. Affected: no. Study: ERN GENTURIS.
Comment: PM2 (PMID: 30311375)

Literature cited by the submitters: PubMed 36436516.

NM_004360.5(CDH1):c.48+41C>T

Gene: CDH1 (cadherin 1; plus strand). Cytogenetic location: 16q22.1.
Variant type: single nucleotide variant.
Coding change: c.48+41C>T on transcript NM_004360.5 (MANE Select); 41 bases into the intron after coding-DNA position 48, C replaced by T.
Molecular consequence: intron variant.
Genome position (GRCh38, 1-based): chr16:68,737,504, C>T. VCF-style: chr16-68737504-C-T. GRCh37 (hg19) VCF-style: chr16-68771407-C-T.
Other names: c.-1568+41C>T (NM_001317185.2); c.-1772+41C>T (NM_001317186.2); c.48+41C>T (NM_001317184.2).
Identifiers: ClinVar variation 2502955 (VCV002502955.1), dbSNP rs1332314887, ClinGen allele CA623139948.